The following is an entry in ClinVar:

ClinVar aggregate classification (germline): Pathogenic. Review status: criteria provided, multiple submitters, no conflicts (2 of 4 stars). 5 submissions from 5 submitters: Pathogenic (3). 2 of the submissions do not count toward it. Last evaluated 2026-01-06.

Conditions:
Bardet-Biedl syndrome (BBS). Identifiers: Orphanet 110, MedGen C0752166, MONDO:0015229.
Bardet-Biedl syndrome 10 (BBS10). Identifiers: Orphanet 110, MedGen C1859568, MONDO:0014438, OMIM 615987.

Submissions (5):

Natera, Inc.
Classification: Pathogenic for Bardet-Biedl syndrome type 10. Last evaluated: 2026-01-06. Review status: criteria provided, single submitter. Criteria: Natera Variant Classification Schema (03/2026). Collection method: clinical testing. Allele origin: germline.
Comment: The c.1044_1045del variant in BBS10 is a frameshift variant predicted to shift the reading frame beginning at codon 350 and leads to a stop codon 11 codons downstream. This variant is expected to result in nonsense mediated decay, truncation, or a dysfunctional protein product. This variant is rare in the general population with a frequency below the threshold expected for the associated phenotype(s). This variant has been observed in one or more individuals affected with the associated recessive disease, as either homozygous or compound heterozygous with a second variant (PMID: 30614526). Given the available evidence, this variant is classified as Pathogenic.

Labcorp Genetics (formerly Invitae), Labcorp
Classification: Pathogenic for Bardet-Biedl syndrome. Last evaluated: 2024-07-01. Review status: criteria provided, single submitter. Criteria: Invitae Variant Classification Sherloc (09022015). Collection method: clinical testing. Allele origin: germline.
Comment: This sequence change creates a premature translational stop signal (p.Pro350Ilefs*11) in the BBS10 gene. While this is not anticipated to result in nonsense mediated decay, it is expected to disrupt the last 374 amino acid(s) of the BBS10 protein. This variant is not present in population databases (gnomAD no frequency). This premature translational stop signal has been observed in individuals with Bardet-Biedl syndrome (PMID: 16582908, 30614526). ClinVar contains an entry for this variant (Variation ID: 30817). This variant disrupts a region of the BBS10 protein in which other variant(s) (p.Va707*) have been determined to be pathogenic (PMID: 20472660, 22773737, 25982971, 27486776). This suggests that this is a clinically significant region of the protein, and that variants that disrupt it are likely to be disease-causing. For these reasons, this variant has been classified as Pathogenic.

Fulgent Genetics
Classification: Pathogenic for Bardet-Biedl syndrome 10. Last evaluated: 2021-11-17. Review status: criteria provided, single submitter. Criteria: ACMG Guidelines, 2015. Collection method: clinical testing. Allele origin: unknown.

Laboratory of Medical Genetics (UMR_S 1112), INSERM/Strasbourg University
Classification: Pathogenic for Bardet-Biedl syndrome. Last evaluated: 2018-09-15. Review status: no assertion criteria provided. Collection method: provider interpretation. Allele origin: germline. Affected: yes. Study: French fetal BBS cohort. Not counted in ClinVar's aggregate classification.

OMIM
Classification: Pathogenic for BARDET-BIEDL SYNDROME 10. Last evaluated: 2010-12-01. Review status: no assertion criteria provided. Collection method: literature only. Allele origin: germline. Not counted in ClinVar's aggregate classification.

Literature cited by the submitters: PubMed 30614526 (cited by 3 submitters); PubMed 16582908 (cited by Labcorp Genetics (formerly Invitae), Labcorp); PubMed 20472660 (cited by Labcorp Genetics (formerly Invitae), Labcorp); PubMed 22773737 (cited by Labcorp Genetics (formerly Invitae), Labcorp); PubMed 25982971 (cited by Labcorp Genetics (formerly Invitae), Labcorp); PubMed 27486776 (cited by Labcorp Genetics (formerly Invitae), Labcorp); PubMed 20805367 (cited by OMIM).

NM_024685.4(BBS10):c.1044_1045del (p.Pro350fs)

Gene: BBS10 (Bardet-Biedl syndrome 10; minus strand). Cytogenetic location: 12q21.2.
Variant type: Deletion.
Coding change: c.1044_1045del on transcript NM_024685.4 (MANE Select); coding-DNA positions 1044 to 1045, 2 bases deleted (TT; older notation c.1044_1045delTT).
Protein change: p.Pro350fs; shifts the reading frame from proline 350.
Molecular consequence: frameshift variant.
Genome position (GRCh38, 1-based): chr12:76,346,940-76,346,941, AA deleted on the plus strand (TT on the coding strand, the reverse complement: BBS10 is on the minus strand); deleting any 2 consecutive bases within chr12:76,346,940-76,346,942 gives the same sequence; the c. name uses the placement nearest the transcript's 3' end. VCF-style (leftmost placement, unchanged base first): chr12-76346939-GAA-G. GRCh37 (hg19) VCF-style: chr12-76740719-GAA-G.
Other names: c.1044_1045del, p.Pro350fs (LRG_1255t1); short protein forms P350fs.
Identifiers: ClinVar variation 30817 (VCV000030817.11), dbSNP rs587777837, ClinGen allele CA259913.